The following is an entry in ClinVar:

ClinVar aggregate classification (germline): Uncertain significance. Review status: criteria provided, multiple submitters, no conflicts (2 of 4 stars). 2 submissions from 2 submitters: Uncertain significance (2). Last evaluated 2025-08-06.

Conditions:
Inborn genetic diseases. Identifiers: MedGen C0950123, MeSH D030342.

Allele frequency attached by ClinVar (database versions not stated): gnomAD exomes below 0.00001 and 0.00001; gnomAD 0.00001; TOPMed 0.00001.
gnomAD v4.1: 16 of 1,608,542 alleles (0.00099%); highest among the groups gnomAD compares: South Asian, 0.0033%; no homozygotes.

Submissions (2):

Ambry Genetics
Classification: Uncertain significance for Inborn genetic diseases. Last evaluated: 2025-08-06. Review status: criteria provided, single submitter. Criteria: Ambry Variant Classification Scheme 2023. Collection method: clinical testing. Allele origin: germline.

Labcorp Genetics (formerly Invitae), Labcorp
Classification: Uncertain significance. Last evaluated: 2023-09-12. Review status: criteria provided, single submitter. Criteria: Invitae Variant Classification Sherloc (09022015). Collection method: clinical testing. Allele origin: germline.
Comment: In summary, the available evidence is currently insufficient to determine the role of this variant in disease. Therefore, it has been classified as a Variant of Uncertain Significance. Advanced modeling of protein sequence and biophysical properties (such as structural, functional, and spatial information, amino acid conservation, physicochemical variation, residue mobility, and thermodynamic stability) performed at Invitae indicates that this missense variant is not expected to disrupt DCHS1 protein function. ClinVar contains an entry for this variant (Variation ID: 1374977). This variant has not been reported in the literature in individuals affected with DCHS1-related conditions. This variant is present in population databases (no rsID available, gnomAD 0.003%). This sequence change replaces serine, which is neutral and polar, with leucine, which is neutral and non-polar, at codon 345 of the DCHS1 protein (p.Ser345Leu).

NM_003737.4(DCHS1):c.1034C>T (p.Ser345Leu)

Gene: DCHS1 (dachsous cadherin-related 1; minus strand). Cytogenetic location: 11p15.4.
Variant type: single nucleotide variant.
Coding change: c.1034C>T on transcript NM_003737.4 (MANE Select); coding-DNA position 1034, C replaced by T.
Protein change: p.Ser345Leu; replaces serine 345 with leucine.
Molecular consequence: missense variant.
Genome position (GRCh38, 1-based): chr11:6,640,580, G>A on the plus strand (C>T on the coding strand, the complement: DCHS1 is on the minus strand). VCF-style: chr11-6640580-G-A. GRCh37 (hg19) VCF-style: chr11-6661811-G-A.
Other names: c.1034C>T (NM_003737.2); short protein forms S345L.
Identifiers: ClinVar variation 1374977 (VCV001374977.7), dbSNP rs897183696, ClinGen allele CA217303059.
Genomic context (GRCh38, chr11:6,640,580, plus strand): 5'-ATGACAGTCATGGAGGGCTGATTGTCATTGGCATCTCGCACATGCACAGTCACAAAGGCC[G>A]AGCCCAGCTCAGGGTGAGCCCCACCATCTCGTGCTTGCACCACCAGTTCATGGACCCGCC-3'
Protein context (NP_003728.1, residues 335-355): RDGGAHPELG[Ser345Leu]AFVTVHVRDA